The following is an entry in ClinVar:

ClinVar aggregate classification (germline): Conflicting classifications of pathogenicity. Review status: criteria provided, conflicting classifications (1 of 4 stars). 2 submissions from 2 submitters: Likely pathogenic (1); Uncertain significance (1). Last evaluated 2024-08-12.

Conditions:
Arthrogryposis- oculomotor limitation-electroretinal anomalies syndrome. Also called: ARTHROGRYPOSIS, DISTAL, TYPE 5; ARTHROGRYPOSIS WITH OCULOMOTOR LIMITATION AND ELECTRORETINAL ABNORMALITIES; ARTHROGRYPOSIS, DISTAL, TYPE IIB. Identifiers: Orphanet 1154, MedGen C1862472, MONDO:0007158, OMIM 108145.

Submissions (2):

GeneDx
Classification: Uncertain significance. Last evaluated: 2024-08-12. Review status: criteria provided, single submitter. Criteria: GeneDx Variant Classification Process June 2021. Collection method: clinical testing. Allele origin: germline. Affected: yes.
Comment: Not observed at significant frequency in large population cohorts (gnomAD); In silico analysis supports that this missense variant has a deleterious effect on protein structure/function; This variant is associated with the following publications: (PMID: 32860008)

CENTOGENE GmbH and LLC - Guiding Precision Medicine
Classification: Likely pathogenic for Arthrogryposis- oculomotor limitation-electroretinal anomalies syndrome. Review status: criteria provided, single submitter. Criteria: ACMG Guidelines, 2015. Collection method: clinical testing. Allele origin: germline. Affected: yes.

Literature cited by the submitters: PubMed 32860008 (cited by CENTOGENE GmbH and LLC - Guiding Precision Medicine).

NM_001378183.1(PIEZO2):c.8555C>T (p.Ser2852Leu)

Gene: PIEZO2 (piezo type mechanosensitive ion channel component 2; minus strand). Cytogenetic location: 18p11.22.
Variant type: single nucleotide variant.
Coding change: c.8555C>T on transcript NM_001378183.1 (MANE Select); coding-DNA position 8555, C replaced by T.
Protein change: p.Ser2852Leu; replaces serine 2852 with leucine.
Molecular consequence: missense variant.
Genome position (GRCh38, 1-based): chr18:10,671,570, G>A on the plus strand (C>T on the coding strand, the complement: PIEZO2 is on the minus strand). VCF-style: chr18-10671570-G-A. GRCh37 (hg19) VCF-style: chr18-10671567-G-A.
Other names: c.8216C>T, p.Ser2739Leu (NM_022068.4); short protein forms S2739L, S2852L.
Identifiers: ClinVar variation 974867 (VCV000974867.2), dbSNP rs2033776473, ClinGen allele CA401911700.